The following is an entry in ClinVar:

ClinVar aggregate classification (germline): Uncertain significance. Review status: criteria provided, multiple submitters, no conflicts (2 of 4 stars). 2 submissions from 2 submitters: Uncertain significance (2). Last evaluated 2026-07-07.

Conditions:
Hereditary cancer-predisposing syndrome. Also called: Hereditary Cancer Syndrome; Neoplastic Syndromes, Hereditary; Hereditary neoplastic syndrome; Tumor predisposition. Identifiers: Orphanet 140162, MedGen C0027672, MeSH D009386, MONDO:0015356.

Submissions (2):

Ambry Genetics
Classification: Uncertain significance for Hereditary cancer-predisposing syndrome. Last evaluated: 2026-07-07. Review status: criteria provided, single submitter. Criteria: Ambry Variant Classification Scheme 2023. Collection method: clinical testing. Allele origin: germline.
Comment: The p.A92T variant (also known as c.274G>A), located in coding exon 2 of the PDGFRA gene, results from a G to A substitution at nucleotide position 274. The alanine at codon 92 is replaced by threonine, an amino acid with similar properties. This amino acid position is conserved. In addition, the in silico prediction for this alteration is inconclusive. Based on the available evidence, the clinical significance of this variant remains unclear.

Institute for Clinical Genetics, University Hospital TU Dresden, University Hospital TU Dresden
Classification: Uncertain significance. Last evaluated: 2021-11-03. Review status: criteria provided, single submitter. Criteria: ACMG Guidelines, 2015. Collection method: clinical testing. Allele origin: germline.

NM_006206.6(PDGFRA):c.274G>A (p.Ala92Thr)

Gene: PDGFRA (platelet derived growth factor receptor alpha; plus strand). Cytogenetic location: 4q12.
Variant type: single nucleotide variant.
Coding change: c.274G>A on transcript NM_006206.6 (MANE Select); coding-DNA position 274, G replaced by A.
Protein change: p.Ala92Thr; replaces alanine 92 with threonine.
Molecular consequence: missense variant.
Genome position (GRCh38, 1-based): chr4:54,261,319, G>A. VCF-style: chr4-54261319-G-A. GRCh37 (hg19) VCF-style: chr4-55127486-G-A.
Other names: c.274G>A, p.Ala92Thr (NM_001347827.2, NM_001347829.2); c.349G>A, p.Ala117Thr (NM_001347828.2); c.313G>A, p.Ala105Thr (NM_001347830.2); short protein forms A105T, A117T, A92T.
Identifiers: ClinVar variation 1319851 (VCV001319851.4), dbSNP rs2110243163, ClinGen allele CA356888743.